The following is an entry in ClinVar:

ClinVar aggregate classification (germline): Uncertain significance (1 of 4 stars; one submission).

Conditions:
Intellectual developmental disorder, autosomal dominant 1. Also called: Intellectual disability, autosomal dominant 1; MBD5 Haploinsufficiency. Identifiers: Orphanet 228402, MedGen C1969562, MONDO:0007974, OMIM 156200.

Allele frequency attached by ClinVar (database versions not stated): gnomAD exomes 0.00001.
gnomAD v4.1: 8 of 1,614,058 alleles (0.0005%); highest among the groups gnomAD compares: Non-Finnish European, 0.00068%; no homozygotes.

Submission:

Labcorp Genetics (formerly Invitae), Labcorp
Classification: Uncertain significance for Intellectual developmental disorder, autosomal dominant 1. Last evaluated: 2023-11-24. Review status: criteria provided, single submitter. Criteria: Invitae Variant Classification Sherloc (09022015). Collection method: clinical testing. Allele origin: germline.
Comment: This sequence change replaces leucine, which is neutral and non-polar, with arginine, which is basic and polar, at codon 879 of the MBD5 protein (p.Leu879Arg). This variant is not present in population databases (gnomAD no frequency). This variant has not been reported in the literature in individuals affected with MBD5-related conditions. Advanced modeling of protein sequence and biophysical properties (such as structural, functional, and spatial information, amino acid conservation, physicochemical variation, residue mobility, and thermodynamic stability) performed at Invitae indicates that this missense variant is not expected to disrupt MBD5 protein function with a negative predictive value of 80%. In summary, the available evidence is currently insufficient to determine the role of this variant in disease. Therefore, it has been classified as a Variant of Uncertain Significance.

NM_001378120.1(MBD5):c.2636T>G (p.Leu879Arg)

Gene: MBD5 (methyl-CpG binding domain protein 5; plus strand). Cytogenetic location: 2q23.1.
Variant type: single nucleotide variant.
Coding change: c.2636T>G on transcript NM_001378120.1 (MANE Select); coding-DNA position 2636, T replaced by G.
Protein change: p.Leu879Arg; replaces leucine 879 with arginine.
Molecular consequence: missense variant.
Genome position (GRCh38, 1-based): chr2:148,483,227, T>G. VCF-style: chr2-148483227-T-G. GRCh37 (hg19) VCF-style: chr2-149240796-T-G.
Other names: c.2636T>G, p.Leu879Arg (NM_018328.5); short protein forms L879R.
Identifiers: ClinVar variation 2717934 (VCV002717934.3), dbSNP rs2469973782, ClinGen allele CA348722369.